The following is an entry in ClinVar:

NM_005560.6(LAMA5):c.7357-8A>G

Gene: LAMA5 (laminin subunit alpha 5; minus strand). Cytogenetic location: 20q13.33.
Variant type: single nucleotide variant.
Coding change: c.7357-8A>G on transcript NM_005560.6 (MANE Select); 8 bases into the intron before coding-DNA position 7357, A replaced by G.
Molecular consequence: intron variant.
Genome position (GRCh38, 1-based): chr20:62,317,507, T>C on the plus strand (A>G on the coding strand, the complement: LAMA5 is on the minus strand). VCF-style: chr20-62317507-T-C. GRCh37 (hg19) VCF-style: chr20-60892563-T-C.
Identifiers: ClinVar variation 4809440 (VCV004809440.1).
Genomic context (GRCh38, chr20:62,317,507, plus strand): 5'-TGCAGCAGTGGGGTCCGAGCCCCATCCAGGCTGGCGGCGAGGCGCTCCAGCTCCTGGAAT[T>C]TGAGTGGACTTAGCCCCTCATCCTGCTCACAGCCACCTGATCCACGACCCTGAGGGCGGG-3'

ClinVar aggregate classification (germline): Uncertain significance (1 of 4 stars; one submission).

gnomAD v4.1: 4 of 1,538,700 alleles (0.00026%); highest among the groups gnomAD compares: South Asian, 0.005%; no homozygotes.

Submission:

Labcorp Genetics (formerly Invitae), Labcorp
Classification: Uncertain significance. Last evaluated: 2025-10-03. Review status: criteria provided, single submitter. Criteria: Invitae Variant Classification Sherloc (09022015). Collection method: clinical testing. Allele origin: germline.
Comment: This sequence change falls in intron 54 of the LAMA5 gene. It does not directly change the encoded amino acid sequence of the LAMA5 protein. This variant is present in population databases (no rsID available, gnomAD 0.005%). This variant has not been reported in the literature in individuals affected with LAMA5-related conditions. Algorithms developed to predict the effect of sequence changes on RNA splicing suggest that this variant may disrupt the consensus splice site. In summary, the available evidence is currently insufficient to determine the role of this variant in disease. Therefore, it has been classified as a Variant of Uncertain Significance.